The following is an entry in ClinVar:

NM_001349253.2(SCN11A):c.644C>G (p.Thr215Ser)

Gene: SCN11A (sodium voltage-gated channel alpha subunit 11; minus strand). Cytogenetic location: 3p22.2.
Variant type: single nucleotide variant.
Coding change: c.644C>G on transcript NM_001349253.2 (MANE Select); coding-DNA position 644, C replaced by G.
Protein change: p.Thr215Ser; replaces threonine 215 with serine.
Molecular consequence: missense variant.
Genome position (GRCh38, 1-based): chr3:38,925,483, G>C on the plus strand (C>G on the coding strand, the complement: SCN11A is on the minus strand). VCF-style: chr3-38925483-G-C. GRCh37 (hg19) VCF-style: chr3-38966974-G-C.
Other names: c.644C>G, p.Thr215Ser (NM_014139.3); short protein forms T215S.
Identifiers: ClinVar variation 999633 (VCV000999633.5), dbSNP rs2066124702, ClinGen allele CA352173382.

ClinVar aggregate classification (germline): Uncertain significance (1 of 4 stars; one submission).

Conditions:
Hereditary sensory and autonomic neuropathy type 7. Also called: Neuropathy, hereditary sensory and autonomic, type VII; HSAN VII. Identifiers: Orphanet 391397, MedGen C3809882, MONDO:0014244, OMIM 615548.
Familial episodic pain syndrome with predominantly lower limb involvement. Also called: Episodic pain syndrome, familial, 3. Identifiers: Orphanet 391384, Orphanet 391392, MedGen C3809899, MONDO:0014247, OMIM 615552.

Submission:

Labcorp Genetics (formerly Invitae), Labcorp
Classification: Uncertain significance for Familial episodic pain syndrome with predominantly lower limb involvement; Hereditary sensory and autonomic neuropathy type 7. Last evaluated: 2022-11-29. Review status: criteria provided, single submitter. Criteria: Invitae Variant Classification Sherloc (09022015). Collection method: clinical testing. Allele origin: germline.
Comment: In summary, the available evidence is currently insufficient to determine the role of this variant in disease. Therefore, it has been classified as a Variant of Uncertain Significance. Advanced modeling of protein sequence and biophysical properties (such as structural, functional, and spatial information, amino acid conservation, physicochemical variation, residue mobility, and thermodynamic stability) performed at Invitae indicates that this missense variant is not expected to disrupt SCN11A protein function. ClinVar contains an entry for this variant (Variation ID: 999633). This variant has not been reported in the literature in individuals affected with SCN11A-related conditions. This variant is not present in population databases (gnomAD no frequency). This sequence change replaces threonine, which is neutral and polar, with serine, which is neutral and polar, at codon 215 of the SCN11A protein (p.Thr215Ser).